The following is an entry in ClinVar:

NM_175914.5(HNF4A):c.106G>A (p.Ala36Thr)

Gene: HNF4A (hepatocyte nuclear factor 4 alpha; plus strand). Cytogenetic location: 20q13.12.
Variant type: single nucleotide variant.
Coding change: c.106G>A on transcript NM_175914.5 (MANE Select); coding-DNA position 106, G replaced by A.
Protein change: p.Ala36Thr; replaces alanine 36 with threonine.
Molecular consequence: missense variant.
Genome position (GRCh38, 1-based): chr20:44,406,114, G>A. VCF-style: chr20-44406114-G-A. GRCh37 (hg19) VCF-style: chr20-43034754-G-A.
Other names: c.172G>A, p.Ala58Thr (NM_000457.6, NM_178849.3, NM_178850.3); c.106G>A, p.Ala36Thr (NM_001030003.3, NM_001030004.3); c.151G>A, p.Ala51Thr (NM_001258355.2); c.97G>A, p.Ala33Thr (NM_001287182.2, NM_001287183.2, NM_001287184.2); c.106G>A (NM_175914.4); short protein forms A33T, A36T, A58T, A51T.
Identifiers: ClinVar variation 1432219 (VCV001432219.10), dbSNP rs376906221, ClinGen allele CA9870168.
Genomic context (GRCh38, chr20:44,406,114, plus strand): 5'-GCAGACACGTCCCCATCAGAAGGCACCAACCTCAACGCGCCCAACAGCCTGGGTGTCAGC[G>A]CCCTGTGTGCCATCTGCGGGGACCGGGCCACGGGCAAACACTACGGTGCCTCGAGCTGTG-3'
Protein context (NP_787110.2, residues 26-46): LNAPNSLGVS[Ala36Thr]LCAICGDRAT

ClinVar aggregate classification (germline): Uncertain significance. Review status: criteria provided, multiple submitters, no conflicts (2 of 4 stars). 4 submissions from 4 submitters: Uncertain significance (4). Last evaluated 2024-02-26.

Conditions:
Maturity-onset diabetes of the young type 1. Also called: MODY, type I; MILD JUVENILE DIABETES MELLITUS; MODY type 1; Diabetes mellitus MODY type 1; MODY HNF4A related; HNF4A-Related Maturity-Onset Diabetes of the Young Type 1. Identifiers: Orphanet 552, MedGen C1852093, MONDO:0007452, OMIM 125850. Disease mechanism: loss of function.
Type 2 diabetes mellitus. Also called: Type II diabetes mellitus. Identifiers: MedGen C0011860, MeSH D003924, MONDO:0005148, OMIM 125853, HP:0005978.
Fanconi renotubular syndrome 4 with maturity-onset diabetes of the young (FRTS4). Also called: FRTS4 WITH MODY. Identifiers: Orphanet 93111, MedGen C4014962, MONDO:0014458, OMIM 616026.

Allele frequency attached by ClinVar (database versions not stated): gnomAD exomes 0.00001; ESP Exome Variant Server 0.00015.
gnomAD v4.1: 17 of 1,613,490 alleles (0.0011%); highest among the groups gnomAD compares: Admixed American, 0.005%; no homozygotes.

Submissions (4):

Fulgent Genetics
Classification: Uncertain significance for Maturity-onset diabetes of the young type 1; Type 2 diabetes mellitus; Fanconi renotubular syndrome 4 with maturity-onset diabetes of the young. Last evaluated: 2024-02-26. Review status: criteria provided, single submitter. Criteria: ACMG Guidelines, 2015. Collection method: clinical testing. Allele origin: germline.

Revvity Omics, Revvity
Classification: Uncertain significance. Last evaluated: 2023-06-29. Review status: criteria provided, single submitter. Criteria: ACMG Guidelines, 2015. Collection method: clinical testing. Allele origin: germline.

Labcorp Genetics (formerly Invitae), Labcorp
Classification: Uncertain significance. Last evaluated: 2021-10-22. Review status: criteria provided, single submitter. Criteria: Invitae Variant Classification Sherloc (09022015). Collection method: clinical testing. Allele origin: germline.
Comment: This sequence change replaces alanine, which is neutral and non-polar, with threonine, which is neutral and polar, at codon 36 of the HNF4A protein (p.Ala36Thr). This variant is present in population databases (rs376906221, gnomAD 0.008%). This variant has not been reported in the literature in individuals affected with HNF4A-related conditions. Algorithms developed to predict the effect of missense changes on protein structure and function (SIFT, PolyPhen-2, Align-GVGD) all suggest that this variant is likely to be tolerated. In summary, the available evidence is currently insufficient to determine the role of this variant in disease. Therefore, it has been classified as a Variant of Uncertain Significance.

Blueprint Genetics
Classification: Uncertain significance. Last evaluated: 2020-04-02. Review status: criteria provided, single submitter. Criteria: ACMG Guidelines, 2015. Collection method: clinical testing. Allele origin: germline.